The following is an entry in ClinVar:

ClinVar aggregate classification (germline): Uncertain significance (1 of 4 stars; one submission).

Submission:

Labcorp Genetics (formerly Invitae), Labcorp
Classification: Uncertain significance. Last evaluated: 2022-04-07. Review status: criteria provided, single submitter. Criteria: Invitae Variant Classification Sherloc (09022015). Collection method: clinical testing. Allele origin: germline.
Comment: In summary, the available evidence is currently insufficient to determine the role of this variant in disease. Therefore, it has been classified as a Variant of Uncertain Significance. Variants that disrupt the consensus splice site are a relatively common cause of aberrant splicing (PMID: 17576681, 9536098). Algorithms developed to predict the effect of sequence changes on RNA splicing suggest that this variant is not likely to affect RNA splicing. This variant has not been reported in the literature in individuals affected with PLEKHM2-related conditions. This variant is not present in population databases (gnomAD no frequency). This sequence change falls in intron 5 of the PLEKHM2 gene. It does not directly change the encoded amino acid sequence of the PLEKHM2 protein. It affects a nucleotide within the consensus splice site.

Literature cited by the submitters: PubMed 17576681; PubMed 9536098.

NM_015164.4(PLEKHM2):c.465+3G>A

Gene: PLEKHM2 (pleckstrin homology and RUN domain containing M2; plus strand). Cytogenetic location: 1p36.21.
Variant type: single nucleotide variant.
Coding change: c.465+3G>A on transcript NM_015164.4 (MANE Select); 3 bases into the intron after coding-DNA position 465, G replaced by A.
Molecular consequence: intron variant.
Genome position (GRCh38, 1-based): chr1:15,718,628, G>A. VCF-style: chr1-15718628-G-A. GRCh37 (hg19) VCF-style: chr1-16045123-G-A.
Identifiers: ClinVar variation 2122439 (VCV002122439.4), dbSNP rs2522394059, ClinGen allele CA2580060582.
Genomic context (GRCh38, chr1:15,718,628, plus strand): 5'-GACGCTCTTCCTGACCTTGGTGTCCGGGCTAGAGTTCATTCGTTTCGAGCTGGATCTGGT[G>A]AGACACCAGGGCTCTCACTGCTTGTGGGAAGCAGAGGAGGGGGCAGGGTGGGGGCAGGGT-3'